The following is an entry in ClinVar:

ClinVar aggregate classification (germline): Uncertain significance (1 of 4 stars; one submission).

Submission:

Dasa
Classification: Uncertain significance. Last evaluated: 2025-05-14. Review status: criteria provided, single submitter. Criteria: DASA Assertion Criteria. Collection method: clinical testing. Allele origin: germline.
Comment: NM_024408.4(NOTCH2):c.4763T>A (p.Met1588Lys) is a missense variant that results in the substitution of methionine with lysine. This variant is absent from population databases. Computational prediction algorithms are consistent with a deleterious effect. The currently available literature and clinical evidence are not sufficient to establish a definitive association between this variant and the reported condition. Therefore, this variant is classified as a variant of uncertain significance.

NM_024408.4(NOTCH2):c.4763T>A (p.Met1588Lys)

Gene: NOTCH2 (notch receptor 2; minus strand). Cytogenetic location: 1p12.
Variant type: single nucleotide variant.
Coding change: c.4763T>A on transcript NM_024408.4 (MANE Select); coding-DNA position 4763, T replaced by A.
Protein change: p.Met1588Lys; replaces methionine 1588 with lysine.
Molecular consequence: missense variant.
Genome position (GRCh38, 1-based): chr1:119,923,733, A>T on the plus strand (T>A on the coding strand, the complement: NOTCH2 is on the minus strand). VCF-style: chr1-119923733-A-T. GRCh37 (hg19) VCF-style: chr1-120466356-A-T.
Other names: short protein forms M1588K.
Identifiers: ClinVar variation 4881614 (VCV004881614.2).